The following is an entry in ClinVar:

NM_005591.4(MRE11):c.1547A>T (p.Asp516Val)

Gene: MRE11 (MRE11 double strand break repair nuclease; minus strand). Cytogenetic location: 11q21.
Variant type: single nucleotide variant.
Coding change: c.1547A>T on transcript NM_005591.4 (MANE Select); coding-DNA position 1547, A replaced by T.
Protein change: p.Asp516Val; replaces aspartic acid 516 with valine.
Molecular consequence: missense variant.
Genome position (GRCh38, 1-based): chr11:94,456,292, T>A on the plus strand (A>T on the coding strand, the complement: MRE11 is on the minus strand). VCF-style: chr11-94456292-T-A. GRCh37 (hg19) VCF-style: chr11-94189458-T-A.
Other names: c.1547A>T, p.Asp516Val (NM_001330347.2, NM_005590.4); short protein forms D516V.
Identifiers: ClinVar variation 1055682 (VCV001055682.12), dbSNP rs771215537, ClinGen allele CA382370701.

ClinVar aggregate classification (germline): Uncertain significance. Review status: criteria provided, multiple submitters, no conflicts (2 of 4 stars). 3 submissions from 3 submitters: Uncertain significance (3). Last evaluated 2024-11-12.

Conditions:
Ataxia-telangiectasia-like disorder (ATLD). Identifiers: MedGen C1858391, MONDO:0011457.
Hereditary cancer-predisposing syndrome. Also called: Hereditary Cancer Syndrome; Tumor predisposition; Hereditary neoplastic syndrome; Neoplastic Syndromes, Hereditary. Identifiers: Orphanet 140162, MedGen C0027672, MeSH D009386, MONDO:0015356.

gnomAD v4.1: 2 of 1,613,638 alleles (0.00012%); highest among the groups gnomAD compares: Admixed American, 0.0033%; no homozygotes.

Submissions (3):

Quest Diagnostics Nichols Institute San Juan Capistrano
Classification: Uncertain significance. Last evaluated: 2024-11-12. Review status: criteria provided, single submitter. Criteria: Quest Diagnostics criteria. Collection method: clinical testing. Allele origin: unknown.
Comment: The MRE11 c.1547A>T (p.Asp516Val) variant has not been reported in individuals with MRE11-related conditions in the published literature. The frequency of this variant in the general population, 0.000008 (2/250760 chromosomes (Genome Aggregation Database)), is uninformative in the assessment of its pathogenicity. Analysis of this variant using bioinformatics tools for the prediction of the effect of amino acid changes on protein structure and function yielded conflicting predictions that this variant is benign or damaging. Based on the available information, we are unable to determine the clinical significance of this variant.

Labcorp Genetics (formerly Invitae), Labcorp
Classification: Uncertain significance for Ataxia-telangiectasia-like disorder. Last evaluated: 2024-05-15. Review status: criteria provided, single submitter. Criteria: Invitae Variant Classification Sherloc (09022015). Collection method: clinical testing. Allele origin: germline.
Comment: This sequence change replaces aspartic acid, which is acidic and polar, with valine, which is neutral and non-polar, at codon 516 of the MRE11 protein (p.Asp516Val). This variant is present in population databases (no rsID available, gnomAD 0.006%). This variant has not been reported in the literature in individuals affected with MRE11-related conditions. ClinVar contains an entry for this variant (Variation ID: 1055682). An algorithm developed to predict the effect of missense changes on protein structure and function (PolyPhen-2) suggests that this variant is likely to be disruptive. In summary, the available evidence is currently insufficient to determine the role of this variant in disease. Therefore, it has been classified as a Variant of Uncertain Significance.

Ambry Genetics
Classification: Uncertain significance for Hereditary cancer-predisposing syndrome. Last evaluated: 2022-09-25. Review status: criteria provided, single submitter. Criteria: Ambry Variant Classification Scheme 2023. Collection method: clinical testing. Allele origin: germline.
Comment: The p.D516V variant (also known as c.1547A>T), located in coding exon 13 of the MRE11A gene, results from an A to T substitution at nucleotide position 1547. The aspartic acid at codon 516 is replaced by valine, an amino acid with highly dissimilar properties. This amino acid position is well conserved in available vertebrate species. In addition, the in silico prediction for this alteration is inconclusive. Since supporting evidence is limited at this time, the clinical significance of this alteration remains unclear.